The following is an entry in ClinVar:

NM_001080495.3(TNRC18):c.7386C>T (p.Val2462=)

Gene: TNRC18 (trinucleotide repeat containing 18; minus strand). Cytogenetic location: 7p22.1.
Variant type: single nucleotide variant.
Coding change: c.7386C>T on transcript NM_001080495.3 (MANE Select); coding-DNA position 7386, C replaced by T.
Protein change: p.Val2462=; no amino-acid change (valine 2462 retained).
Molecular consequence: synonymous variant.
Genome position (GRCh38, 1-based): chr7:5,313,505, G>A on the plus strand (C>T on the coding strand, the complement: TNRC18 is on the minus strand). VCF-style: chr7-5313505-G-A. GRCh37 (hg19) VCF-style: chr7-5353136-G-A.
Identifiers: ClinVar variation 2657274 (VCV002657274.24), dbSNP rs201969561, ClinGen allele CA4143747.
Genomic context (GRCh38, chr7:5,313,505, plus strand): 5'-CAGCAGGGCCTCTTTAGCCTTCTTGCTTTTGGGTGACGTGACACCCTCGTGGTCCAGTTT[G>A]ACAAGCAGCTCGGCCTCCTCCCCCGGCCTCCGAGGGCCCTTGGCACCCGACTCCTCGGCT-3'
Protein context (NP_001073964.2, residues 2452-2472): RRPGEEAELL[Val2462=]KLDHEGVTSP

ClinVar aggregate classification (germline): Likely benign (1 of 4 stars; one submission).

Allele frequency attached by ClinVar (database versions not stated): gnomAD 0.00123; ESP Exome Variant Server 0.00126; gnomAD exomes 0.00183; 1000 Genomes Project 0.00040; 1000 Genomes Project 30x 0.00094; ExAC 0.00108; TOPMed 0.00112.
gnomAD v4.1: 2,812 of 1,613,282 alleles (0.17%); highest among the groups gnomAD compares: Non-Finnish European, 0.23%; 5 homozygotes.

Submission:

CeGaT Center for Human Genetics Tuebingen
Classification: Likely benign. Last evaluated: 2026-07-01. Review status: criteria provided, single submitter. Criteria: CeGaT Center For Human Genetics Tuebingen Variant Classification Criteria Version 2. Collection method: clinical testing. Allele origin: germline. Affected: yes. Observed: 2 variant alleles.
Comment: TNRC18: BP4, BP7